The following is an entry in ClinVar:

NM_000246.4(CIITA):c.2978C>T (p.Ala993Val)

Gene: CIITA (class II major histocompatibility complex transactivator; plus strand). Cytogenetic location: 16p13.13.
Variant type: single nucleotide variant.
Coding change: c.2978C>T on transcript NM_000246.4 (MANE Select); coding-DNA position 2978, C replaced by T.
Protein change: p.Ala993Val; replaces alanine 993 with valine.
Molecular consequence: missense variant. On other transcripts: non-coding transcript variant (1).
Genome position (GRCh38, 1-based): chr16:10,916,375, C>T. VCF-style: chr16-10916375-C-T. GRCh37 (hg19) VCF-style: chr16-11010232-C-T.
Other names: c.2981C>T, p.Ala994Val (NM_001286402.1, NM_001379332.1); c.1226C>T, p.Ala409Val (NM_001286403.2); c.2834C>T, p.Ala945Val (NM_001379330.1); c.2831C>T, p.Ala944Val (NM_001379331.1); c.2978C>T, p.Ala993Val (NM_001379333.1); c.2909C>T, p.Ala970Val (NM_001379334.1); short protein forms A994V, A993V, A409V, A944V, A945V, A970V.
Identifiers: ClinVar variation 659782 (VCV000659782.10), dbSNP rs547505584, ClinGen allele CA7900611.

ClinVar aggregate classification (germline): Uncertain significance. Review status: criteria provided, multiple submitters, no conflicts (2 of 4 stars). 3 submissions from 3 submitters: Uncertain significance (2). 1 of the submissions does not count toward it. Last evaluated 2025-09-08.

Conditions:
MHC class II deficiency. Also called: Bare lymphocyte syndrome 2; BLS, TYPE II. Identifiers: Orphanet 572, MedGen C5447452, MONDO:0008855.
Inborn genetic diseases. Identifiers: MedGen C0950123, MeSH D030342.

Allele frequency attached by ClinVar (database versions not stated): gnomAD 0.00002 and 0.00003; gnomAD exomes 0.00002 and 0.00001; TOPMed 0.00004; 1000 Genomes Project 0.00040; 1000 Genomes Project 30x 0.00047; ExAC 0.00001.
gnomAD v4.1: 27 of 1,613,686 alleles (0.0017%); highest among the groups gnomAD compares: Admixed American, 0.025%; no homozygotes.

Submissions (3):

Ambry Genetics
Classification: Uncertain significance for Inborn genetic diseases. Last evaluated: 2025-09-08. Review status: criteria provided, single submitter. Criteria: Ambry Variant Classification Scheme 2023. Collection method: clinical testing. Allele origin: germline.

Labcorp Genetics (formerly Invitae), Labcorp
Classification: Uncertain significance for MHC class II deficiency. Last evaluated: 2024-05-24. Review status: criteria provided, single submitter. Criteria: Invitae Variant Classification Sherloc (09022015). Collection method: clinical testing. Allele origin: germline.
Comment: This sequence change replaces alanine, which is neutral and non-polar, with valine, which is neutral and non-polar, at codon 993 of the CIITA protein (p.Ala993Val). The frequency data for this variant in the population databases is considered unreliable, as metrics indicate poor data quality at this position in the gnomAD database. This variant has not been reported in the literature in individuals affected with CIITA-related conditions. ClinVar contains an entry for this variant (Variation ID: 659782). An algorithm developed to predict the effect of missense changes on protein structure and function (PolyPhen-2) suggests that this variant¬†is likely to be tolerated. In summary, the available evidence is currently insufficient to determine the role of this variant in disease. Therefore, it has been classified as a Variant of Uncertain Significance.

Natera, Inc.
Classification: Uncertain significance for Bare lymphocyte syndrome type II. Last evaluated: 2020-09-16. Review status: no assertion criteria provided. Collection method: clinical testing. Allele origin: germline. Not counted in ClinVar's aggregate classification.